The following is an entry in ClinVar:

NM_001367561.1(DOCK7):c.6184C>T (p.Arg2062Ter)

Gene: DOCK7 (dedicator of cytokinesis 7; minus strand). Cytogenetic location: 1p31.3.
Variant type: single nucleotide variant.
Coding change: c.6184C>T on transcript NM_001367561.1 (MANE Select); coding-DNA position 6184, C replaced by T.
Protein change: p.Arg2062Ter; replaces arginine 2062 with a stop codon.
Molecular consequence: nonsense.
Genome position (GRCh38, 1-based): chr1:62,474,010, G>A on the plus strand (C>T on the coding strand, the complement: DOCK7 is on the minus strand). VCF-style: chr1-62474010-G-A. GRCh37 (hg19) VCF-style: chr1-62939681-G-A.
Other names: c.6151C>T, p.Arg2051Ter (NM_001271999.2); c.6064C>T, p.Arg2022Ter (NM_001272000.2); c.6058C>T, p.Arg2020Ter (NM_001272001.2); c.6157C>T, p.Arg2053Ter (NM_001330614.2); c.6091C>T, p.Arg2031Ter (NM_033407.4); short protein forms R2020*, R2053*, R2051*, R2062*, R2031*, R2022*.
Identifiers: ClinVar variation 2127238 (VCV002127238.4), dbSNP rs778159924, ClinGen allele CA885277.

ClinVar aggregate classification (germline): Pathogenic (1 of 4 stars; one submission).

Conditions:
Developmental and epileptic encephalopathy, 23 (DEE23). Also called: Epileptic encephalopathy, early infantile, 23. Identifiers: Orphanet 411986, MedGen C4014492, MONDO:0014371, OMIM 615859.

Allele frequency attached by ClinVar (database versions not stated): gnomAD exomes below 0.00001; ExAC 0.00001.
gnomAD v4.1: 1 of 1,613,790 alleles (0.000062%); highest among the groups gnomAD compares: South Asian, 0.0011%; no homozygotes.

Submission:

Labcorp Genetics (formerly Invitae), Labcorp
Classification: Pathogenic for Developmental and epileptic encephalopathy, 23. Last evaluated: 2023-08-17. Review status: criteria provided, single submitter. Criteria: Invitae Variant Classification Sherloc (09022015). Collection method: clinical testing. Allele origin: germline.
Comment: For these reasons, this variant has been classified as Pathogenic. ClinVar contains an entry for this variant (Variation ID: 2127238). This variant has not been reported in the literature in individuals affected with DOCK7-related conditions. This variant is present in population databases (rs778159924, gnomAD 0.003%). This sequence change creates a premature translational stop signal (p.Arg2051*) in the DOCK7 gene. It is expected to result in an absent or disrupted protein product. Loss-of-function variants in DOCK7 are known to be pathogenic (PMID: 24814191).

Literature cited by the submitters: PubMed 24814191.